The following is an entry in ClinVar:

NM_001018005.2(TPM1):c.572_573delinsTT (p.Ala191Val)

Gene: TPM1 (tropomyosin 1; plus strand). Cytogenetic location: 15q22.2.
Variant type: Indel.
Coding change: c.572_573delinsTT on transcript NM_001018005.2 (MANE Select); coding-DNA positions 572 to 573, CC replaced by TT.
Protein change: p.Ala191Val; replaces alanine 191 with valine.
Molecular consequence: missense variant. On other transcripts: intron variant (6).
Genome position (GRCh38, 1-based): chr15:63,061,721-63,061,722, CC replaced by TT. VCF-style: chr15-63061721-CC-TT. GRCh37 (hg19) VCF-style: chr15-63353920-CC-TT.
Other names: p.A191V:GCC>GTT; c.572_573delinsTT, p.Ala191Val (NM_001018004.2, NM_001018007.2, NM_001301244.2 and 3 more transcripts); c.464_465delinsTT, p.Ala155Val (NM_001018008.2, NM_001301289.2, NM_001330346.2 and 2 more transcripts); c.698_699delinsTT, p.Ala233Val (NM_001365778.1); c.639+448_639+449delinsTT (NM_001018020.2, NM_001018006.2, NM_000366.6); c.531+448_531+449delinsTT (NM_001330351.2, NM_001330344.2, NM_001365781.2); c.572_573delCCinsTT (NM_001018005.1); short protein forms A191V, A155V, A233V.
Identifiers: ClinVar variation 181681 (VCV000181681.13), dbSNP rs730881154, ClinGen allele CA018190.
Genomic context (GRCh38, chr15:63,061,721, plus strand): 5'-TCCTTCCTTTGGCTTGTCTCCCACCCTTTCTGCCTCTGATCGAAAACATTAGCAAATGTG[CC>TT]GAGCTTGAAGAAGAATTGAAAACTGTGACGAACAACTTGAAGTCACTGGAGGCTCAGGCT-3'
Protein context (NP_001018005.1, residues 181-201): ERAELSEGKC[Ala191Val]ELEEELKTVT

ClinVar aggregate classification (germline): Uncertain significance. Review status: criteria provided, multiple submitters, no conflicts (2 of 4 stars). 4 submissions from 4 submitters: Uncertain significance (4). Last evaluated 2025-08-20.

Conditions:
Cardiovascular phenotype. Identifiers: MedGen CN230736.
Cardiomyopathy (CMYO). Also called: Cardiomyopathies. Identifiers: Orphanet 167848, MedGen C0878544, MONDO:0004994, HP:0001638. Inheritance: Various modes of inheritance.
Hypertrophic cardiomyopathy. Also called: HYPERTROPHIC MYOCARDIOPATHY. Identifiers: Orphanet 217569, MedGen C0007194, MeSH D002312, MONDO:0005045, HP:0001639.

Submissions (4):

Ambry Genetics
Classification: Uncertain significance for Cardiovascular phenotype. Last evaluated: 2025-08-20. Review status: criteria provided, single submitter. Criteria: Ambry Variant Classification Scheme 2023. Collection method: clinical testing. Allele origin: germline.
Comment: The c.572_573delCCinsTT variant (also known as p.A191V), located in coding exon 6 of the TPM1 gene, results from an in-frame deletion of CC and insertion of TT at nucleotide positions 572 to 573. This results in the substitution of the alanine residue for a valine residue at codon 191, an amino acid with similar properties. This amino acid position is well conserved in available vertebrate species. In addition, this variant is predicted to be neutral by in silico analysis (Choi Y et al. PLoS ONE. 2012; 7(10):e46688). Based on the available evidence, the clinical significance of this variant remains unclear.

Labcorp Genetics (formerly Invitae), Labcorp
Classification: Uncertain significance for Hypertrophic cardiomyopathy. Last evaluated: 2025-06-01. Review status: criteria provided, single submitter. Criteria: Invitae Variant Classification Sherloc (09022015). Collection method: clinical testing. Allele origin: germline.
Comment: This sequence change replaces alanine, which is neutral and non-polar, with valine, which is neutral and non-polar, at codon 191 of the TPM1 protein (p.Ala191Val). Information on the frequency of this variant in the gnomAD database is not available, as this variant may be reported differently in the database. This variant has not been reported in the literature in individuals affected with TPM1-related conditions. ClinVar contains an entry for this variant (Variation ID: 181681). An algorithm developed to predict the effect of missense changes on protein structure and function outputs the following: PolyPhen-2: "Benign". The valine amino acid residue is found in multiple mammalian species, which suggests that this missense change does not adversely affect protein function. In summary, the available evidence is currently insufficient to determine the role of this variant in disease. Therefore, it has been classified as a Variant of Uncertain Significance.

GeneDx
Classification: Uncertain significance. Last evaluated: 2024-09-09. Review status: criteria provided, single submitter. Criteria: GeneDx Variant Classification Process June 2021. Collection method: clinical testing. Allele origin: germline. Affected: yes.
Comment: Not observed at significant frequency in large population cohorts (gnomAD); In silico analysis supports a deleterious effect on protein structure/function; Has not been previously published as pathogenic or benign to our knowledge

Color Diagnostics, LLC DBA Color Health
Classification: Uncertain significance for Cardiomyopathy. Last evaluated: 2023-12-05. Review status: criteria provided, single submitter. Criteria: ACMG Guidelines, 2015. Collection method: clinical testing. Allele origin: germline.
Comment: This missense variant replaces alanine with valine at codon 191 of the TPM1 protein. To our knowledge, functional studies have not been reported for this variant. This variant has not been reported in individuals affected with cardiovascular disorders in the literature. This variant has not been identified in the general population by the Genome Aggregation Database (gnomAD). The available evidence is insufficient to determine the role of this variant in disease conclusively. Therefore, this variant is classified as a Variant of Uncertain Significance.